The following is an entry in ClinVar:

NM_152564.5(VPS13B):c.1081G>T (p.Asp361Tyr)

Gene: VPS13B (vacuolar protein sorting 13 homolog B; plus strand). Cytogenetic location: 8q22.2.
Variant type: single nucleotide variant.
Coding change: c.1081G>T on transcript NM_152564.5 (MANE Select); coding-DNA position 1081, G replaced by T.
Protein change: p.Asp361Tyr; replaces aspartic acid 361 with tyrosine.
Molecular consequence: missense variant. On other transcripts: non-coding transcript variant (1).
Genome position (GRCh38, 1-based): chr8:99,121,320, G>T. VCF-style: chr8-99121320-G-T. GRCh37 (hg19) VCF-style: chr8-100133548-G-T.
Other names: c.1081G>T, p.Asp361Tyr (NM_015243.3, NM_017890.5, NM_181661.3); short protein forms D361Y.
Identifiers: ClinVar variation 2154823 (VCV002154823.1), dbSNP rs749019850, ClinGen allele CA371861078.

ClinVar aggregate classification (germline): Uncertain significance (1 of 4 stars; one submission).

Conditions:
Cohen syndrome (COH1). Also called: PEPPER SYNDROME; Cutis verticis gyrata, retinitis pigmentosa, and sensorineural deafness. Identifiers: Orphanet 193, MedGen C0265223, MONDO:0008999, OMIM 216550.

gnomAD v4.1: 1 of 1,614,136 alleles (0.000062%); highest among the groups gnomAD compares: Admixed American, 0.0017%; no homozygotes.

Submission:

Labcorp Genetics (formerly Invitae), Labcorp
Classification: Uncertain significance for Cohen syndrome. Last evaluated: 2022-02-28. Review status: criteria provided, single submitter. Criteria: Invitae Variant Classification Sherloc (09022015). Collection method: clinical testing. Allele origin: germline.
Comment: This sequence change replaces aspartic acid, which is acidic and polar, with tyrosine, which is neutral and polar, at codon 361 of the VPS13B protein (p.Asp361Tyr). This variant is present in population databases (no rsID available, gnomAD 0.003%). This variant has not been reported in the literature in individuals affected with VPS13B-related conditions. Algorithms developed to predict the effect of missense changes on protein structure and function are either unavailable or do not agree on the potential impact of this missense change (SIFT: "Not Available"; PolyPhen-2: "Probably Damaging"; Align-GVGD: "Not Available"). In summary, the available evidence is currently insufficient to determine the role of this variant in disease. Therefore, it has been classified as a Variant of Uncertain Significance.